The following is an entry in ClinVar:

NM_152866.3(MS4A1):c.854A>G (p.Asp285Gly)

Gene: MS4A1 (membrane spanning 4-domains A1; plus strand). Cytogenetic location: 11q12.2.
Variant type: single nucleotide variant.
Coding change: c.854A>G on transcript NM_152866.3 (MANE Select); coding-DNA position 854, A replaced by G.
Protein change: p.Asp285Gly; replaces aspartic acid 285 with glycine.
Molecular consequence: missense variant.
Genome position (GRCh38, 1-based): chr11:60,468,428, A>G. VCF-style: chr11-60468428-A-G. GRCh37 (hg19) VCF-style: chr11-60235901-A-G.
Other names: c.854A>G, p.Asp285Gly (NM_021950.4, NM_152867.2); short protein forms D285G.
Identifiers: ClinVar variation 2100113 (VCV002100113.4), dbSNP rs1265974367, ClinGen allele CA380601265.
Genomic context (GRCh38, chr11:60,468,428, plus strand): 5'-TTCCAATCCAAGAAGAGGAAGAAGAAGAAACAGAGACGAACTTTCCAGAACCTCCCCAAG[A>G]TCAGGAATCCTCACCAATAGAAAATGACAGCTCTCCTTAAGTGATTTCTTCTGTTTTCTG-3'
Protein context (NP_690605.1, residues 275-295): TETNFPEPPQ[Asp285Gly]QESSPIENDS

ClinVar aggregate classification (germline): Uncertain significance (1 of 4 stars; one submission).

Allele frequency attached by ClinVar (database versions not stated): TOPMed below 0.00001.

Submission:

Labcorp Genetics (formerly Invitae), Labcorp
Classification: Uncertain significance. Last evaluated: 2023-09-12. Review status: criteria provided, single submitter. Criteria: Invitae Variant Classification Sherloc (09022015). Collection method: clinical testing. Allele origin: germline.
Comment: In summary, the available evidence is currently insufficient to determine the role of this variant in disease. Therefore, it has been classified as a Variant of Uncertain Significance. Algorithms developed to predict the effect of sequence changes on RNA splicing suggest that this variant may create or strengthen a splice site. An algorithm developed to predict the effect of missense changes on protein structure and function (PolyPhen-2) suggests that this variant is likely to be disruptive. ClinVar contains an entry for this variant (Variation ID: 2100113). This variant has not been reported in the literature in individuals affected with MS4A1-related conditions. This variant is not present in population databases (gnomAD no frequency). This sequence change replaces aspartic acid, which is acidic and polar, with glycine, which is neutral and non-polar, at codon 285 of the MS4A1 protein (p.Asp285Gly).